The following is an entry in ClinVar:

NM_023067.4(FOXL2):c.841_857dup (p.Pro287fs)

Gene: FOXL2 (forkhead box L2; minus strand). Cytogenetic location: 3q22.3.
Variant type: Duplication.
Coding change: c.841_857dup on transcript NM_023067.4 (MANE Select); coding-DNA positions 841 to 857, 17 bases duplicated (CCGGCCGCACCCCCGCC).
Protein change: p.Pro287fs; shifts the reading frame from proline 287.
Molecular consequence: frameshift variant.
Genome position (GRCh38, 1-based): chr3:138,945,866-138,945,882, GGCGGGGGTGCGGCCGG duplicated on the plus strand (CCGGCCGCACCCCCGCC on the coding strand, the reverse complement: FOXL2 is on the minus strand). VCF-style (leftmost placement, unchanged base first): chr3-138945865-A-AGGCGGGGGTGCGGCCGG. GRCh37 (hg19) VCF-style: chr3-138664707-A-AGGCGGGGGTGCGGCCGG.
Other names: short protein forms P287fs.
Identifiers: ClinVar variation 180598 (VCV000180598.2), dbSNP rs797044529, ClinGen allele CA347074.

ClinVar aggregate classification (germline): Pathogenic. Review status: criteria provided, single submitter (1 of 4 stars). 2 submissions from 2 submitters: Pathogenic (1). 1 of the submissions does not count toward it. Last evaluated 2016-11-03.

Conditions:
Blepharophimosis, ptosis, and epicanthus inversus syndrome. Identifiers: Orphanet 126, MedGen C0220663, MONDO:0007201, OMIM 110100.

Submissions (2):

Genomic Diagnostic Laboratory, Division of Genomic Diagnostics, Children's Hospital of Philadelphia
Classification: Pathogenic for Blepharophimosis, ptosis, and epicanthus inversus syndrome. Last evaluated: 2016-11-03. Review status: criteria provided, single submitter. Criteria: DGD Variant Analysis Guidelines. Collection method: clinical testing. Allele origin: germline. Affected: yes. Observed: 1 variant allele.
Comment: Clinical Testing

GeneReviews
No classification provided. Condition: Blepharophimosis, ptosis, and epicanthus inversus syndrome. Review status: no classification provided. Collection method: literature only. Allele origin: germline. Affected: yes. Not counted in ClinVar's aggregate classification.

Literature cited by the submitters: NCBI Bookshelf NBK1441 (cited by GeneReviews).